The following is an entry in ClinVar:

ClinVar aggregate classification (germline): Uncertain significance. Review status: criteria provided, multiple submitters, no conflicts (2 of 4 stars). 3 submissions from 3 submitters: Uncertain significance (3). Last evaluated 2026-01-12.

Conditions:
Noonan syndrome 9 (NS9). Identifiers: Orphanet 648, MedGen C4225282, MONDO:0014691, OMIM 616559.

Submissions (3):

Labcorp Genetics (formerly Invitae), Labcorp
Classification: Uncertain significance for Noonan syndrome 9. Last evaluated: 2026-01-12. Review status: criteria provided, single submitter. Criteria: Invitae Variant Classification Sherloc (09022015). Collection method: clinical testing. Allele origin: germline.
Comment: This sequence change replaces alanine, which is neutral and non-polar, with proline, which is neutral and non-polar, at codon 529 of the SOS2 protein (p.Ala529Pro). This variant is not present in population databases (gnomAD no frequency). This variant has not been reported in the literature in individuals affected with SOS2-related conditions. ClinVar contains an entry for this variant (Variation ID: 1480191). Invitae Evidence Modeling of protein sequence and biophysical properties (such as structural, functional, and spatial information, amino acid conservation, physicochemical variation, residue mobility, and thermodynamic stability) indicates that this missense variant is not expected to disrupt SOS2 protein function with a negative predictive value of 95%. In summary, the available evidence is currently insufficient to determine the role of this variant in disease. Therefore, it has been classified as a Variant of Uncertain Significance.

Dasa
Classification: Uncertain significance. Last evaluated: 2025-10-09. Review status: criteria provided, single submitter. Criteria: DASA Assertion Criteria. Collection method: clinical testing. Allele origin: germline.
Comment: NM_006939.4(SOS2):c.1585G>C (p.Ala529Pro) is a missense variant that results in the substitution of alanine with proline. This variant is absent from population databases. The currently available literature and clinical evidence are not sufficient to establish a definitive association between this variant and the reported condition. Therefore, this variant is classified as a variant of uncertain significance.

Laboratorio de Genetica e Diagnostico Molecular, Hospital Israelita Albert Einstein
Classification: Uncertain significance for Noonan syndrome 9. Last evaluated: 2024-10-28. Review status: criteria provided, single submitter. Criteria: ACMG Guidelines, 2015. Collection method: clinical testing. Allele origin: germline. Affected: yes.
Comment: ACMG classification criteria: PM2 supporting

NM_006939.4(SOS2):c.1585G>C (p.Ala529Pro)

Gene: SOS2 (SOS Ras/Rho guanine nucleotide exchange factor 2; minus strand). Cytogenetic location: 14q21.3.
Variant type: single nucleotide variant.
Coding change: c.1585G>C on transcript NM_006939.4 (MANE Select); coding-DNA position 1585, G replaced by C.
Protein change: p.Ala529Pro; replaces alanine 529 with proline.
Molecular consequence: missense variant.
Genome position (GRCh38, 1-based): chr14:50,159,698, C>G on the plus strand (G>C on the coding strand, the complement: SOS2 is on the minus strand). VCF-style: chr14-50159698-C-G. GRCh37 (hg19) VCF-style: chr14-50626416-C-G.
Other names: short protein forms A529P.
Identifiers: ClinVar variation 1480191 (VCV001480191.9), dbSNP rs2139628740, ClinGen allele CA389645434.